The following is an entry in ClinVar:

NM_001370259.2(MEN1):c.1635G>A (p.Pro545=)

Gene: MEN1 (menin 1; minus strand). Cytogenetic location: 11q13.1.
Variant type: single nucleotide variant.
Coding change: c.1635G>A on transcript NM_001370259.2 (MANE Select); coding-DNA position 1635, G replaced by A.
Protein change: p.Pro545=; no amino-acid change (proline 545 retained).
Molecular consequence: synonymous variant.
Genome position (GRCh38, 1-based): chr11:64,804,532, C>T on the plus strand (G>A on the coding strand, the complement: MEN1 is on the minus strand). VCF-style: chr11-64804532-C-T. GRCh37 (hg19) VCF-style: chr11-64572004-C-T.
Other names: c.1650G>A (NM_000244.3); c.1650G>A, p.Pro550= (NM_000244.4, NM_130800.3, NM_130801.3 and 3 more transcripts); c.1761G>A, p.Pro587= (NM_001370251.2); c.1635G>A, p.Pro545= (NM_001370260.2, NM_001370261.2, NM_130799.3); c.1530G>A, p.Pro510= (NM_001370262.2, NM_001370263.2).
Identifiers: ClinVar variation 457310 (VCV000457310.19), dbSNP rs1349729840, ClinGen allele CA475163627.

ClinVar aggregate classification (germline): Benign/Likely benign. Review status: criteria provided, multiple submitters, no conflicts (2 of 4 stars). 5 submissions from 5 submitters: Benign (1); Likely benign (3). 1 of the submissions does not count toward it. Last evaluated 2025-12-14.

Conditions:
Multiple endocrine neoplasia, type 1 (MEN1). Also called: MEN I; WERMER SYNDROME; Endocrine adenomatosis multiple; MEN 1; MEA I. Identifiers: Orphanet 652, MedGen C0025267, MeSH D018761, MONDO:0007540, OMIM 131100.
MEN1-related disorder. Also called: MEN1-related condition.
Hereditary cancer-predisposing syndrome. Also called: Hereditary Cancer Syndrome; Hereditary neoplastic syndrome; Tumor predisposition; Neoplastic Syndromes, Hereditary. Identifiers: Orphanet 140162, MedGen C0027672, MeSH D009386, MONDO:0015356.

Allele frequency attached by ClinVar (database versions not stated): gnomAD exomes below 0.00001 and 0.00001; TOPMed below 0.00001; gnomAD 0.00001.
gnomAD v4.1: 22 of 1,613,900 alleles (0.0014%); highest among the groups gnomAD compares: Non-Finnish European, 0.0019%; no homozygotes.

Submissions (5):

Labcorp Genetics (formerly Invitae), Labcorp
Classification: Likely benign for Multiple endocrine neoplasia, type 1. Last evaluated: 2025-12-14. Review status: criteria provided, single submitter. Criteria: Invitae Variant Classification Sherloc (09022015). Collection method: clinical testing. Allele origin: germline.

Myriad Genetics, Inc.
Classification: Benign for Multiple endocrine neoplasia, type 1. Last evaluated: 2024-11-05. Review status: criteria provided, single submitter. Criteria: Myriad Autosomal Dominant, Autosomal Recessive and X-Linked Classification Criteria (2023). Collection method: clinical testing. Allele origin: unknown.
Comment: This variant is considered benign. This variant is a silent/synonymous amino acid change and it is not expected to impact splicing.

Color Diagnostics, LLC DBA Color Health
Classification: Likely benign for Multiple endocrine neoplasia, type 1. Last evaluated: 2022-11-06. Review status: criteria provided, single submitter. Criteria: ACMG Guidelines, 2015. Collection method: clinical testing. Allele origin: germline.

Ambry Genetics
Classification: Likely benign for Hereditary cancer-predisposing syndrome. Last evaluated: 2019-08-26. Review status: criteria provided, single submitter. Criteria: Ambry Variant Classification Scheme 2023. Collection method: clinical testing. Allele origin: germline.

PreventionGenetics, part of Exact Sciences
Classification: Likely benign for MEN1-related condition. Last evaluated: 2024-08-11. Review status: no assertion criteria provided. Collection method: clinical testing. Allele origin: germline. Not counted in ClinVar's aggregate classification.
Comment: This variant is classified as likely benign based on ACMG/AMP sequence variant interpretation guidelines (Richards et al. 2015 PMID: 25741868, with internal and published modifications).